The following is an entry in ClinVar:

ClinVar aggregate classification (germline): Benign. Review status: criteria provided, single submitter (1 of 4 stars). 2 submissions from 2 submitters: Benign (1). 1 of the submissions does not count toward it. Last evaluated 2019-12-31.

Conditions:
VARS1-related disorder. Also called: VARS1-related condition.

Allele frequency attached by ClinVar (database versions not stated): gnomAD 0.02209 and 0.02396; ESP Exome Variant Server 0.02445; 1000 Genomes Project 0.02496; TOPMed 0.02516; 1000 Genomes Project 30x 0.02608.
gnomAD v4.1: 6,823 of 1,614,102 alleles (0.42%); highest among the groups gnomAD compares: African/African-American, 7.7%; 234 homozygotes.

Submissions (2):

Labcorp Genetics (formerly Invitae), Labcorp
Classification: Benign. Last evaluated: 2019-12-31. Review status: criteria provided, single submitter. Criteria: Invitae Variant Classification Sherloc (09022015). Collection method: clinical testing. Allele origin: germline.

PreventionGenetics, part of Exact Sciences
Classification: Benign for VARS1-related condition. Last evaluated: 2019-12-23. Review status: no assertion criteria provided. Collection method: clinical testing. Allele origin: germline. Not counted in ClinVar's aggregate classification.
Comment: This variant is classified as benign based on ACMG/AMP sequence variant interpretation guidelines (Richards et al. 2015 PMID: 25741868, with internal and published modifications).

NM_006295.3(VARS1):c.541C>T (p.Arg181Cys)

Genes: VARS1 (valyl-tRNA synthetase 1; minus strand), LOC126859651 (CDK7 strongly-dependent group 2 enhancer GRCh37_chr6:31759783-31760982; plus strand). Cytogenetic location: 6p21.33.
Variant type: single nucleotide variant.
Coding change: c.541C>T on transcript NM_006295.3 (MANE Select); coding-DNA position 541, C replaced by T.
Protein change: p.Arg181Cys; replaces arginine 181 with cysteine.
Molecular consequence: missense variant.
Genome position (GRCh38, 1-based): chr6:31,792,877, G>A on the plus strand (C>T on the coding strand, the complement: VARS1 is on the minus strand). VCF-style: chr6-31792877-G-A. GRCh37 (hg19) VCF-style: chr6-31760654-G-A.
Other names: short protein forms R181C.
Identifiers: ClinVar variation 784496 (VCV000784496.6), dbSNP rs35196751, ClinGen allele CA3723539.